The following is an entry in ClinVar:

ClinVar aggregate classification (germline): Benign/Likely benign. Review status: criteria provided, multiple submitters, no conflicts (2 of 4 stars). 2 submissions from 2 submitters: Benign (1); Likely benign (1). Last evaluated 2026-07-01.

Allele frequency attached by ClinVar (database versions not stated): ESP Exome Variant Server 0.00120; 1000 Genomes Project 30x 0.00172; TOPMed 0.00193; 1000 Genomes Project 0.00200; gnomAD exomes 0.00232 and 0.00257; gnomAD 0.00331; ExAC 0.00361.
gnomAD v4.1: 3,817 of 1,517,026 alleles (0.25%); highest among the groups gnomAD compares: Non-Finnish European, 0.29%; 15 homozygotes.

Submissions (2):

CeGaT Center for Human Genetics Tuebingen
Classification: Likely benign. Last evaluated: 2026-07-01. Review status: criteria provided, single submitter. Criteria: CeGaT Center For Human Genetics Tuebingen Variant Classification Criteria Version 2. Collection method: clinical testing. Allele origin: germline. Affected: yes. Observed: 1 variant allele.
Comment: HDAC9: BP4, BS2

Labcorp Genetics (formerly Invitae), Labcorp
Classification: Benign. Last evaluated: 2019-12-31. Review status: criteria provided, single submitter. Criteria: Invitae Variant Classification Sherloc (09022015). Collection method: clinical testing. Allele origin: germline.

NM_178425.4(HDAC9):c.3011T>C (p.Ile1004Thr)

Gene: HDAC9 (histone deacetylase 9; plus strand). Cytogenetic location: 7p21.1.
Variant type: single nucleotide variant.
Coding change: c.3011T>C on transcript NM_178425.4 (MANE Select); coding-DNA position 3011, T replaced by C.
Protein change: p.Ile1004Thr; replaces isoleucine 1004 with threonine.
Molecular consequence: missense variant.
Genome position (GRCh38, 1-based): chr7:18,954,219, T>C. VCF-style: chr7-18954219-T-C. GRCh37 (hg19) VCF-style: chr7-18993842-T-C.
Other names: c.2936T>C, p.Ile979Thr (NM_001321868.2); c.2879T>C, p.Ile960Thr (NM_001321877.2, NM_001321897.2); c.3002T>C, p.Ile1001Thr (NM_178423.3, NM_058176.2); short protein forms I960T, I1001T, I1004T, I979T.
Identifiers: ClinVar variation 789887 (VCV000789887.5), dbSNP rs138163349, ClinGen allele CA4174360.
Genomic context (GRCh38, chr7:18,954,219, plus strand): 5'-CAGAAGATATTCTCCACCAAAGCCCGAATATGAATGCTGTTATTTCTTTACAGAAGATCA[T>C]TGAAATTCAAAGTATGTCTTTAAAGTTCTCTTAAAAATTCTAAGCAGGTAAAACTAACTA-3'
Protein context (NP_848512.1, residues 994-1014): MNAVISLQKI[Ile1004Thr]EIQSKYWKSV